The following is an entry in ClinVar:

ClinVar aggregate classification (germline): Uncertain significance (1 of 4 stars; one submission).

Allele frequency attached by ClinVar (database versions not stated): gnomAD exomes below 0.00001.
gnomAD v4.1: 2 of 1,613,906 alleles (0.00012%); highest among the groups gnomAD compares: Non-Finnish European, 0.00017%; no homozygotes.

Submission:

Labcorp Genetics (formerly Invitae), Labcorp
Classification: Uncertain significance. Last evaluated: 2023-03-16. Review status: criteria provided, single submitter. Criteria: Invitae Variant Classification Sherloc (09022015). Collection method: clinical testing. Allele origin: germline.
Comment: This sequence change replaces serine, which is neutral and polar, with arginine, which is basic and polar, at codon 1005 of the KMT2E protein (p.Ser1005Arg). This variant is not present in population databases (gnomAD no frequency). This variant has not been reported in the literature in individuals affected with KMT2E-related conditions. Advanced modeling of protein sequence and biophysical properties (such as structural, functional, and spatial information, amino acid conservation, physicochemical variation, residue mobility, and thermodynamic stability) performed at Invitae indicates that this missense variant is not expected to disrupt KMT2E protein function. In summary, the available evidence is currently insufficient to determine the role of this variant in disease. Therefore, it has been classified as a Variant of Uncertain Significance.

NM_182931.3(KMT2E):c.3015T>G (p.Ser1005Arg)

Gene: KMT2E (lysine methyltransferase 2E (inactive); plus strand). Cytogenetic location: 7q22.3.
Variant type: single nucleotide variant.
Coding change: c.3015T>G on transcript NM_182931.3 (MANE Select); coding-DNA position 3015, T replaced by G.
Protein change: p.Ser1005Arg; replaces serine 1005 with arginine.
Molecular consequence: missense variant.
Genome position (GRCh38, 1-based): chr7:105,107,472, T>G. VCF-style: chr7-105107472-T-G. GRCh37 (hg19) VCF-style: chr7-104747919-T-G.
Other names: c.3015T>G, p.Ser1005Arg (NM_001410908.1, NM_018682.4); short protein forms S1005R.
Identifiers: ClinVar variation 2815481 (VCV002815481.3), dbSNP rs777602335, ClinGen allele CA368788423.